The following is an entry in ClinVar:

ClinVar aggregate classification (germline): Conflicting classifications of pathogenicity. Review status: criteria provided, conflicting classifications (1 of 4 stars). 8 submissions from 8 submitters: Uncertain significance (3); Likely benign (4). 1 of the submissions does not count toward it. Last evaluated 2026-06-01.

Conditions:
LRP2-related disorder. Also called: LRP2-related condition.
Donnai-Barrow syndrome. Also called: DBS/FOAR SYNDROME; FACIOOCULOACOUSTICORENAL SYNDROME. Identifiers: Orphanet 2143, MedGen C1857277, MONDO:0009104, OMIM 222448.

Allele frequency attached by ClinVar (database versions not stated): 1000 Genomes Project 0.00020; 1000 Genomes Project 30x 0.00031; ESP Exome Variant Server 0.00115; TOPMed 0.00122; gnomAD 0.00123 and 0.00133; gnomAD exomes 0.00127; ExAC 0.00151.
gnomAD v4.1: 3,056 of 1,614,196 alleles (0.19%); highest among the groups gnomAD compares: Non-Finnish European, 0.24%; 2 homozygotes.

Submissions (8):

CeGaT Center for Human Genetics Tuebingen
Classification: Likely benign. Last evaluated: 2026-06-01. Review status: criteria provided, single submitter. Criteria: CeGaT Center For Human Genetics Tuebingen Variant Classification Criteria Version 2. Collection method: clinical testing. Allele origin: germline. Affected: yes. Observed: 2 variant alleles.
Comment: LRP2: BS2

Labcorp Genetics (formerly Invitae), Labcorp
Classification: Likely benign. Last evaluated: 2026-02-04. Review status: criteria provided, single submitter. Criteria: Invitae Variant Classification Sherloc (09022015). Collection method: clinical testing. Allele origin: germline.

Blueprint Genetics
Classification: Likely benign. Last evaluated: 2024-11-21. Review status: criteria provided, single submitter. Criteria: ACMG Guidelines, 2015. Collection method: clinical testing. Allele origin: germline.

Genome-Nilou Lab
Classification: Uncertain significance for Donnai-Barrow syndrome. Last evaluated: 2021-07-15. Review status: criteria provided, single submitter. Criteria: ACMG Guidelines, 2015. Collection method: clinical testing. Allele origin: germline. Affected: no.

GeneDx
Classification: Likely benign. Last evaluated: 2020-07-17. Review status: criteria provided, single submitter. Criteria: GeneDx Variant Classification Process June 2021. Collection method: clinical testing. Allele origin: germline. Affected: yes.
Comment: In silico analysis, which includes protein predictors and evolutionary conservation, supports that this variant does not alter protein structure/function; Has not been previously published as pathogenic or benign to our knowledge

Illumina Laboratory Services, Illumina
Classification: Uncertain significance for Donnai-Barrow syndrome. Last evaluated: 2018-01-13. Review status: criteria provided, single submitter. Criteria: ICSL Variant Classification Criteria 13 December 2019. Collection method: clinical testing. Allele origin: germline.

Genetic Services Laboratory, University of Chicago
Classification: Uncertain significance. Last evaluated: 2014-06-17. Review status: criteria provided, single submitter. Criteria: ACMG Guidelines, 2015. Collection method: clinical testing. Allele origin: germline.

PreventionGenetics, part of Exact Sciences
Classification: Likely benign for LRP2-related condition. Last evaluated: 2022-05-26. Review status: no assertion criteria provided. Collection method: clinical testing. Allele origin: germline. Not counted in ClinVar's aggregate classification.
Comment: This variant is classified as likely benign based on ACMG/AMP sequence variant interpretation guidelines (Richards et al. 2015 PMID: 25741868, with internal and published modifications).

NM_004525.3(LRP2):c.3110G>A (p.Arg1037Lys)

Gene: LRP2 (LDL receptor related protein 2; minus strand). Cytogenetic location: 2q31.1.
Variant type: single nucleotide variant.
Coding change: c.3110G>A on transcript NM_004525.3 (MANE Select); coding-DNA position 3110, G replaced by A.
Protein change: p.Arg1037Lys; replaces arginine 1037 with lysine.
Molecular consequence: missense variant.
Genome position (GRCh38, 1-based): chr2:169,246,785, C>T on the plus strand (G>A on the coding strand, the complement: LRP2 is on the minus strand). VCF-style: chr2-169246785-C-T. GRCh37 (hg19) VCF-style: chr2-170103295-C-T.
Other names: short protein forms R1037K.
Identifiers: ClinVar variation 211395 (VCV000211395.27), dbSNP rs147058423, ClinGen allele CA208704.